The following is an entry in ClinVar:

ClinVar aggregate classification (germline): Uncertain significance (1 of 4 stars; one submission).

Submission:

GeneDx
Classification: Uncertain significance. Last evaluated: 2021-06-15. Review status: criteria provided, single submitter. Criteria: GeneDx Variant Classification Process June 2021. Collection method: clinical testing. Allele origin: germline. Affected: yes.
Comment: Has not been previously published as pathogenic or benign to our knowledge; Not observed at significant frequency in large population cohorts (Lek et al., 2016); In silico analysis supports that this missense variant does not alter protein structure/function; This variant is associated with the following publications: (PMID: 27535533)

NM_001170629.2(CHD8):c.7450C>G (p.Pro2484Ala)

Gene: CHD8 (chromodomain helicase DNA binding protein 8; minus strand). Cytogenetic location: 14q11.2.
Variant type: single nucleotide variant.
Coding change: c.7450C>G on transcript NM_001170629.2 (MANE Select); coding-DNA position 7450, C replaced by G.
Protein change: p.Pro2484Ala; replaces proline 2484 with alanine.
Molecular consequence: missense variant.
Genome position (GRCh38, 1-based): chr14:21,385,909, G>C on the plus strand (C>G on the coding strand, the complement: CHD8 is on the minus strand). VCF-style: chr14-21385909-G-C. GRCh37 (hg19) VCF-style: chr14-21854068-G-C.
Other names: c.6613C>G, p.Pro2205Ala (NM_020920.4); short protein forms P2205A, P2484A.
Identifiers: ClinVar variation 1328602 (VCV001328602.2), dbSNP rs2139428218, ClinGen allele CA388875144.